The following is an entry in ClinVar:

ClinVar aggregate classification (germline): Conflicting classifications of pathogenicity. Review status: criteria provided, conflicting classifications (1 of 4 stars). 4 submissions from 4 submitters: Uncertain significance (2); Likely benign (2). Last evaluated 2025-11-19.

Conditions:
Autosomal dominant childhood-onset proximal spinal muscular atrophy without contractures. Also called: KUGELBERG-WELANDER SYNDROME, AUTOSOMAL DOMINANT; SPINAL MUSCULAR ATROPHY, JUVENILE, PROXIMAL, AUTOSOMAL DOMINANT; Spinal muscular atrophy, lower extremity-predominant 1, AD; SPINAL MUSCULAR ATROPHY, CHILDHOOD, PROXIMAL, AUTOSOMAL DOMINANT. Identifiers: Orphanet 209341, Orphanet 363447, MedGen C5780022, MONDO:0008026, OMIM 158600.
Charcot-Marie-Tooth disease axonal type 2O. Also called: CHARCOT-MARIE-TOOTH NEUROPATHY, AXONAL, TYPE 2O; CHARCOT-MARIE-TOOTH DISEASE, AXONAL, AUTOSOMAL DOMINANT, TYPE 2O; Charcot-Marie-Tooth Neuropathy Type 2O; Charcot-Marie-Tooth disease, axonal, type 20. Identifiers: Orphanet 284232, MedGen C3280220, MONDO:0013644, OMIM 614228.
Cortical dysplasia, complex, with other brain malformations 13. Also called: Intellectual disability, autosomal dominant 13. Identifiers: MedGen C3281202, MONDO:0013805, OMIM 614563.
DYNC1H1-related disorder. Also called: DYNC1H1-related condition; DYNC1H1-related disorders. Identifiers: MedGen CN381529.
Inborn genetic diseases. Identifiers: MedGen C0950123, MeSH D030342.

Allele frequency attached by ClinVar (database versions not stated): ExAC 0.00004; TOPMed 0.00002.
gnomAD v4.1: 35 of 1,614,048 alleles (0.0022%); highest among the groups gnomAD compares: East Asian, 0.033%; no homozygotes.

Submissions (4):

PreventionGenetics, part of Exact Sciences
Classification: Likely benign for DYNC1H1-related condition. Last evaluated: 2025-11-19. Review status: criteria provided, single submitter. Criteria: ACMG Guidelines, 2015. Collection method: clinical testing. Allele origin: germline.
Comment: This variant is classified as likely benign based on ACMG/AMP sequence variant interpretation guidelines (Richards et al. 2015 PMID: 25741868, with internal and published modifications).

Labcorp Genetics (formerly Invitae), Labcorp
Classification: Uncertain significance for Charcot-Marie-Tooth disease axonal type 2O. Last evaluated: 2025-09-20. Review status: criteria provided, single submitter. Criteria: Invitae Variant Classification Sherloc (09022015). Collection method: clinical testing. Allele origin: germline.
Comment: This sequence change falls in intron 49 of the DYNC1H1 gene. It does not directly change the encoded amino acid sequence of the DYNC1H1 protein. It affects a nucleotide within the consensus splice site. This variant is present in population databases (rs773101138, gnomAD 0.03%). This variant has not been reported in the literature in individuals affected with DYNC1H1-related conditions. ClinVar contains an entry for this variant (Variation ID: 844205). Variants that disrupt the consensus splice site are a relatively common cause of aberrant splicing (PMID: 17576681, 9536098). Algorithms developed to predict the effect of sequence changes on RNA splicing suggest that this variant is not likely to affect RNA splicing. In summary, the available evidence is currently insufficient to determine the role of this variant in disease. Therefore, it has been classified as a Variant of Uncertain Significance.

Fulgent Genetics
Classification: Uncertain significance for Autosomal dominant childhood-onset proximal spinal muscular atrophy without contractures; Charcot-Marie-Tooth disease axonal type 2O; Cortical dysplasia, complex, with other brain malformations 13. Last evaluated: 2021-08-06. Review status: criteria provided, single submitter. Criteria: ACMG Guidelines, 2015. Collection method: clinical testing. Allele origin: unknown.

Ambry Genetics
Classification: Likely benign for Inborn genetic diseases. Last evaluated: 2020-10-01. Review status: criteria provided, single submitter. Criteria: Ambry Variant Classification Scheme 2023. Collection method: clinical testing. Allele origin: germline.

Literature cited by the submitters: PubMed 17576681 (cited by Labcorp Genetics (formerly Invitae), Labcorp); PubMed 9536098 (cited by Labcorp Genetics (formerly Invitae), Labcorp).

NM_001376.5(DYNC1H1):c.9642+4C>T

Gene: DYNC1H1 (dynein cytoplasmic 1 heavy chain 1; plus strand). Cytogenetic location: 14q32.31.
Variant type: single nucleotide variant.
Coding change: c.9642+4C>T on transcript NM_001376.5 (MANE Select); 4 bases into the intron after coding-DNA position 9642, C replaced by T.
Molecular consequence: intron variant.
Genome position (GRCh38, 1-based): chr14:102,029,716, C>T. VCF-style: chr14-102029716-C-T. GRCh37 (hg19) VCF-style: chr14-102496053-C-T.
Identifiers: ClinVar variation 844205 (VCV000844205.14), dbSNP rs773101138, ClinGen allele CA7353255.
Genomic context (GRCh38, chr14:102,029,716, plus strand): 5'-GAGCAGCAGATGCACTTGAACGTGGGGCTCAGGAAGATCAAAGAGACAGTCGACCAGGTG[C>T]GTCACAGGCACAAATTCCTCACGGGAGTGAGCTGCAGTGAGGACCCCTTTCCATATAATT-3'